The following is an entry in ClinVar:

ClinVar aggregate classification (germline): Pathogenic (1 of 4 stars; one submission).

Conditions:
Focal segmental glomerulosclerosis 7 (FSGS7). Identifiers: Orphanet 656, MedGen C4014925, MONDO:0014451, OMIM 616002.

Submission:

Precision Medicine Center, Zhengzhou University
Classification: Pathogenic for Focal segmental glomerulosclerosis 7. Last evaluated: 2023-12-01. Review status: criteria provided, single submitter. Criteria: ACMG Guidelines, 2015. Collection method: clinical testing. Allele origin: de novo. Affected: yes.
Comment: PVS1,PS2,PM2_p

NM_000278.5(PAX2):c.383_384del (p.Thr128fs)

Gene: PAX2 (paired box 2; plus strand). Cytogenetic location: 10q24.31.
Variant type: Microsatellite.
Coding change: c.383_384del on transcript NM_000278.5 (MANE Select); coding-DNA positions 383 to 384, 2 bases deleted (CA; older notation c.383_384delCA).
Protein change: p.Thr128fs; shifts the reading frame from threonine 128.
Molecular consequence: frameshift variant.
Genome position (GRCh38, 1-based): chr10:100,750,864-100,750,865, CA deleted; deleting any 2 consecutive bases within chr10:100,750,861-100,750,865 gives the same sequence; the c. name uses the placement nearest the transcript's 3' end. VCF-style (leftmost placement, unchanged base first): chr10-100750860-GAC-G. GRCh37 (hg19) VCF-style: chr10-102510617-GAC-G.
Other names: c.476_477del, p.Thr159fs (NM_001304569.2); c.383_384del, p.Thr128fs (NM_003987.5, NM_003988.5, NM_003989.5 and 1 more transcripts); short protein forms T128fs, T159fs.
Identifiers: ClinVar variation 2681750 (VCV002681750.2), dbSNP rs2492900237.